The following is an entry in ClinVar:

NM_001080453.3(INTS1):c.3314C>T (p.Ser1105Leu)

Gene: INTS1 (integrator complex subunit 1; minus strand). Cytogenetic location: 7p22.3.
Variant type: single nucleotide variant.
Coding change: c.3314C>T on transcript NM_001080453.3 (MANE Select); coding-DNA position 3314, C replaced by T.
Protein change: p.Ser1105Leu; replaces serine 1105 with leucine.
Molecular consequence: missense variant.
Genome position (GRCh38, 1-based): chr7:1,484,118, G>A on the plus strand (C>T on the coding strand, the complement: INTS1 is on the minus strand). VCF-style: chr7-1484118-G-A. GRCh37 (hg19) VCF-style: chr7-1523754-G-A.
Other names: short protein forms S1105L.
Identifiers: ClinVar variation 4282146 (VCV004282146.1).

ClinVar aggregate classification (germline): Uncertain significance (1 of 4 stars; one submission).

gnomAD v4.1: 37 of 1,612,378 alleles (0.0023%); highest among the groups gnomAD compares: South Asian, 0.0077%; no homozygotes.

Submission:

GeneDx
Classification: Uncertain significance. Last evaluated: 2025-04-14. Review status: criteria provided, single submitter. Criteria: GeneDx Variant Classification Process June 2021. Collection method: clinical testing. Allele origin: germline. Affected: yes.
Comment: In silico analysis indicates that this missense variant does not alter protein structure/function; Has not been previously published as pathogenic or benign to our knowledge